The following is an entry in ClinVar:

NM_000528.4(MAN2B1):c.1645-195C>A

Gene: MAN2B1 (mannosidase alpha class 2B member 1; minus strand). Cytogenetic location: 19p13.13.
Variant type: single nucleotide variant.
Coding change: c.1645-195C>A on transcript NM_000528.4 (MANE Select); 195 bases into the intron before coding-DNA position 1645, C replaced by A.
Molecular consequence: intron variant.
Genome position (GRCh38, 1-based): chr19:12,656,074, G>T on the plus strand (C>A on the coding strand, the complement: MAN2B1 is on the minus strand). VCF-style: chr19-12656074-G-T. GRCh37 (hg19) VCF-style: chr19-12766888-G-T.
Other names: c.1642-195C>A (NM_001173498.2).
Identifiers: ClinVar variation 3068547 (VCV003068547.1), dbSNP rs76372279, ClinGen allele CA305469820.

ClinVar aggregate classification (germline): Benign (1 of 4 stars; one submission).

Conditions:
Deficiency of alpha-mannosidase (MANSA). Also called: Alpha-Mannosidosis; LYSOSOMAL ALPHA-D-MANNOSIDASE DEFICIENCY; Mannosidosis, alpha-, types I and II. Identifiers: Orphanet 61, MedGen C0024748, MONDO:0009561, OMIM 248500.

Allele frequency attached by ClinVar (database versions not stated): TOPMed 0.00210; 1000 Genomes Project 0.00699; 1000 Genomes Project 30x 0.00765.
gnomAD v4.1: 1,864 of 569,970 alleles (0.33%); highest among the groups gnomAD compares: East Asian, 3.7%; 36 homozygotes.

Submission:

Molecular Genetics, Royal Melbourne Hospital
Classification: Benign for Deficiency of alpha-mannosidase. Last evaluated: 2023-05-04. Review status: criteria provided, single submitter. Criteria: ACMG Guidelines, 2015. Collection method: clinical testing. Allele origin: germline. Affected: yes.
Comment: East Asian population allele frequency is 3.33% (rs76372279, 193/5122 alleles, 6 homozygotes in gnomAD v3.1). Based on the classification scheme RMH Modified ACMG/AMP Guidelines v1.5.1, this variant is classified as BENIGN. Following criteria are met: BA1